The following is an entry in ClinVar:

ClinVar aggregate classification (germline): Uncertain significance (1 of 4 stars; one submission).

Allele frequency attached by ClinVar (database versions not stated): gnomAD 0.00008; TOPMed 0.00009; gnomAD exomes 0.00013; ESP Exome Variant Server 0.00017; 1000 Genomes Project 30x 0.00031; ExAC 0.00036; 1000 Genomes Project 0.00040.
gnomAD v4.1: 183 of 1,498,164 alleles (0.012%); highest among the groups gnomAD compares: Middle Eastern, 0.071%; no homozygotes.

Submission:

Labcorp Genetics (formerly Invitae), Labcorp
Classification: Uncertain significance. Last evaluated: 2026-01-16. Review status: criteria provided, single submitter. Criteria: Invitae Variant Classification Sherloc (09022015). Collection method: clinical testing. Allele origin: germline.
Comment: This sequence change replaces glutamine, which is neutral and polar, with histidine, which is basic and polar, at codon 153 of the MESP1 protein (p.Gln153His). This variant is present in population databases (rs374166240, gnomAD 0.03%). This variant has not been reported in the literature in individuals affected with MESP1-related conditions. ClinVar contains an entry for this variant (Variation ID: 2068273). An algorithm developed to predict the effect of missense changes on protein structure and function (PolyPhen-2) suggests that this variant is likely to be disruptive. In summary, the available evidence is currently insufficient to determine the role of this variant in disease. Therefore, it has been classified as a Variant of Uncertain Significance.

NM_018670.4(MESP1):c.459G>C (p.Gln153His)

Genes: MESP1 (mesoderm posterior bHLH transcription factor 1; minus strand), LOC130057888 (ATAC-STARR-seq lymphoblastoid silent region 6803; plus strand). Cytogenetic location: 15q26.1.
Variant type: single nucleotide variant.
Coding change: c.459G>C on transcript NM_018670.4 (MANE Select); coding-DNA position 459, G replaced by C.
Protein change: p.Gln153His; replaces glutamine 153 with histidine.
Molecular consequence: missense variant.
Genome position (GRCh38, 1-based): chr15:89,750,773, C>G on the plus strand (G>C on the coding strand, the complement: MESP1 is on the minus strand). VCF-style: chr15-89750773-C-G. GRCh37 (hg19) VCF-style: chr15-90294004-C-G.
Other names: short protein forms Q153H.
Identifiers: ClinVar variation 2068273 (VCV002068273.4), dbSNP rs374166240, ClinGen allele CA7730194.